The following is an entry in ClinVar:

NM_001244753.2(FCGR3B):c.526G>T (p.Val176Phe)

Gene: FCGR3B (Fc gamma receptor IIIb; minus strand). Cytogenetic location: 1q23.3.
Variant type: single nucleotide variant.
Coding change: c.526G>T on transcript NM_001244753.2 (MANE Select); coding-DNA position 526, G replaced by T.
Protein change: p.Val176Phe; replaces valine 176 with phenylalanine.
Molecular consequence: missense variant. On other transcripts: intron variant (1).
Genome position (GRCh38, 1-based): chr1:161,626,196, C>A on the plus strand (G>T on the coding strand, the complement: FCGR3B is on the minus strand). VCF-style: chr1-161626196-C-A. GRCh37 (hg19) VCF-style: chr1-161595986-C-A.
Other names: c.526G>T, p.Val176Phe (NM_000570.5); c.523G>T, p.Val175Phe (NM_001271035.2); c.475G>T, p.Val159Phe (NM_001271036.2); c.269-1557G>T (NM_001271037.2); short protein forms V159F, V175F, V176F.
Identifiers: ClinVar variation 3250532 (VCV003250532.18), dbSNP rs200215055.

ClinVar aggregate classification (germline): Likely benign (1 of 4 stars; one submission).

Allele frequency attached by ClinVar (database versions not stated): ESP Exome Variant Server 0.00046; 1000 Genomes Project 0.00240; 1000 Genomes Project 30x 0.00312.

Submission:

CeGaT Center for Human Genetics Tuebingen
Classification: Likely benign. Last evaluated: 2024-06-01. Review status: criteria provided, single submitter. Criteria: CeGaT Center For Human Genetics Tuebingen Variant Classification Criteria Version 2. Collection method: clinical testing. Allele origin: germline. Affected: yes. Observed: 1 variant allele.
Comment: FCGR3B: BP4, BS2